The following is an entry in ClinVar:

NM_002653.5(PITX1):c.691C>A (p.Pro231Thr)

Gene: PITX1 (paired like homeodomain 1; minus strand). Cytogenetic location: 5q31.1.
Variant type: single nucleotide variant.
Coding change: c.691C>A on transcript NM_002653.5 (MANE Select); coding-DNA position 691, C replaced by A.
Protein change: p.Pro231Thr; replaces proline 231 with threonine.
Molecular consequence: missense variant.
Genome position (GRCh38, 1-based): chr5:135,029,033, G>T on the plus strand (C>A on the coding strand, the complement: PITX1 is on the minus strand). VCF-style: chr5-135029033-G-T. GRCh37 (hg19) VCF-style: chr5-134364723-G-T.
Other names: short protein forms P231T.
Identifiers: ClinVar variation 3713768 (VCV003713768.1).
Genomic context (GRCh38, chr5:135,029,033, plus strand): 5'-AGCCGGTGAGGTTGTTGATGTTGTTGAGGCCCGAGTTGGGCATGCCAGGCACGGCGCCTG[G>T]GCCCATGCTGGACGGCATGGTCATGGAGGAGATGGAGCTGGGTGCTGAGAACATGGACTG-3'
Protein context (NP_002644.4, residues 221-241): SSMTMPSSMG[Pro231Thr]GAVPGMPNSG

ClinVar aggregate classification (germline): Uncertain significance (1 of 4 stars; one submission).

gnomAD v4.1: 62 of 1,614,108 alleles (0.0038%); highest among the groups gnomAD compares: Admixed American, 0.012%; no homozygotes.

Submission:

Labcorp Genetics (formerly Invitae), Labcorp
Classification: Uncertain significance. Last evaluated: 2024-07-26. Review status: criteria provided, single submitter. Criteria: Invitae Variant Classification Sherloc (09022015). Collection method: clinical testing. Allele origin: germline.
Comment: This sequence change replaces proline, which is neutral and non-polar, with threonine, which is neutral and polar, at codon 231 of the PITX1 protein (p.Pro231Thr). This variant is present in population databases (rs769968771, gnomAD 0.006%). This variant has not been reported in the literature in individuals affected with PITX1-related conditions. Advanced modeling of protein sequence and biophysical properties (such as structural, functional, and spatial information, amino acid conservation, physicochemical variation, residue mobility, and thermodynamic stability) performed at Invitae indicates that this missense variant is not expected to disrupt PITX1 protein function with a negative predictive value of 80%. In summary, the available evidence is currently insufficient to determine the role of this variant in disease. Therefore, it has been classified as a Variant of Uncertain Significance.